The following is an entry in ClinVar:

NM_004999.4(MYO6):c.2183G>A (p.Arg728Lys)

Gene: MYO6 (myosin VI; plus strand). Cytogenetic location: 6q14.1.
Variant type: single nucleotide variant.
Coding change: c.2183G>A on transcript NM_004999.4 (MANE Select); coding-DNA position 2183, G replaced by A.
Protein change: p.Arg728Lys; replaces arginine 728 with lysine.
Molecular consequence: missense variant. On other transcripts: non-coding transcript variant (1).
Genome position (GRCh38, 1-based): chr6:75,879,925, G>A. VCF-style: chr6-75879925-G-A. GRCh37 (hg19) VCF-style: chr6-76589642-G-A.
Other names: c.2183G>A, p.Arg728Lys (NM_001300899.2, NM_001368136.1, NM_001368137.1 and 2 more transcripts); c.2168G>A, p.Arg723Lys (NM_001368138.1); short protein forms R728K, R723K.
Identifiers: ClinVar variation 2055803 (VCV002055803.4), dbSNP rs375260669, ClinGen allele CA141078490.
Genomic context (GRCh38, chr6:75,879,925, plus strand): 5'-GAGCTTCATTTCATGAACTCTACAACATGTACAAAAAGTATATGCCAGATAAACTTGCAA[G>A]ATTGGATCCAAGACTATTTTGTAAGGTATAAATGCCACCCAAATTGAAATTTCTTAGCTA-3'
Protein context (NP_004990.3, residues 718-738): YKKYMPDKLA[Arg728Lys]LDPRLFCKAL

ClinVar aggregate classification (germline): Uncertain significance (1 of 4 stars; one submission).

Allele frequency attached by ClinVar (database versions not stated): gnomAD exomes below 0.00001; ESP Exome Variant Server 0.00008.
gnomAD v4.1: 2 of 1,614,138 alleles (0.00012%); highest among the groups gnomAD compares: Non-Finnish European, 0.00017%; no homozygotes.

Submission:

Labcorp Genetics (formerly Invitae), Labcorp
Classification: Uncertain significance. Last evaluated: 2022-09-27. Review status: criteria provided, single submitter. Criteria: Invitae Variant Classification Sherloc (09022015). Collection method: clinical testing. Allele origin: germline.
Comment: Advanced modeling of protein sequence and biophysical properties (such as structural, functional, and spatial information, amino acid conservation, physicochemical variation, residue mobility, and thermodynamic stability) performed at Invitae indicates that this missense variant is not expected to disrupt MYO6 protein function. In summary, the available evidence is currently insufficient to determine the role of this variant in disease. Therefore, it has been classified as a Variant of Uncertain Significance. This sequence change replaces arginine, which is basic and polar, with lysine, which is basic and polar, at codon 728 of the MYO6 protein (p.Arg728Lys). This variant is present in population databases (rs375260669, gnomAD 0.0009%). This variant has not been reported in the literature in individuals affected with MYO6-related conditions.